The following is an entry in ClinVar:

NC_000016.9:g.(?_89805009)_(89813308_?)dup

Genes: ZNF276 (zinc finger protein 276; plus strand), FANCA (FA complementation group A; minus strand). Cytogenetic location: 16q24.3.
Variant type: Duplication.
Identifiers: ClinVar variation 1409078 (VCV001409078.4).

ClinVar aggregate classification (germline): Uncertain significance (1 of 4 stars; one submission).

Conditions:
Fanconi anemia (FA). Also called: Fanconi's anemia. Identifiers: Orphanet 84, MedGen C0015625, MeSH D005199, MONDO:0019391.

Submission:

Labcorp Genetics (formerly Invitae), Labcorp
Classification: Uncertain significance for Fanconi anemia. Last evaluated: 2021-09-26. Review status: criteria provided, single submitter. Criteria: Invitae Variant Classification Sherloc (09022015). Collection method: clinical testing. Allele origin: germline.
Comment: In summary, the available evidence is currently insufficient to determine the role of this variant in disease. Therefore, it has been classified as a Variant of Uncertain Significance. Experimental studies and prediction algorithms are not available or were not evaluated, and the functional significance of this variant is currently unknown. This variant has not been reported in the literature in individuals affected with FANCA-related conditions. This variant results in a copy number gain of the genomic region encompassing exon(s) 34-43 of the FANCA gene. This region includes the termination codon of the gene. This copy number gain extends beyond the assayed region for this gene and therefore may encompass additional genes. As the precise location of this event is unknown, it may be in tandem or it may be located elsewhere in the genome.